The following is an entry in ClinVar:

NM_001372106.1(DNAH10):c.582C>T (p.Asn194=)

Gene: DNAH10 (dynein axonemal heavy chain 10; plus strand). Cytogenetic location: 12q24.31.
Variant type: single nucleotide variant.
Coding change: c.582C>T on transcript NM_001372106.1 (MANE Select); coding-DNA position 582, C replaced by T.
Protein change: p.Asn194=; no amino-acid change (asparagine 194 retained).
Molecular consequence: synonymous variant.
Genome position (GRCh38, 1-based): chr12:123,774,225, C>T. VCF-style: chr12-123774225-C-T. GRCh37 (hg19) VCF-style: chr12-124258772-C-T.
Other names: c.399C>T, p.Asn133= (NM_001083900.1, NM_207437.3).
Identifiers: ClinVar variation 2643520 (VCV002643520.24), dbSNP rs374306028, ClinGen allele CA6862498.

ClinVar aggregate classification (germline): Likely benign (1 of 4 stars; one submission).

Allele frequency attached by ClinVar (database versions not stated): gnomAD exomes 0.00007; gnomAD 0.00010; ExAC 0.00011; TOPMed 0.00014; ESP Exome Variant Server 0.00017.
gnomAD v4.1: 128 of 1,608,346 alleles (0.008%); highest among the groups gnomAD compares: Middle Eastern, 0.066%; no homozygotes.

Submission:

CeGaT Center for Human Genetics Tuebingen
Classification: Likely benign. Last evaluated: 2023-04-01. Review status: criteria provided, single submitter. Criteria: CeGaT Center For Human Genetics Tuebingen Variant Classification Criteria Version 2. Collection method: clinical testing. Allele origin: germline. Affected: yes. Observed: 1 variant allele.
Comment: DNAH10: BP4, BP7